The following is an entry in ClinVar:

NM_000166.6(GJB1):c.192C>G (p.Cys64Trp)

Gene: GJB1 (gap junction protein beta 1; plus strand). Cytogenetic location: Xq13.1.
Variant type: single nucleotide variant.
Coding change: c.192C>G on transcript NM_000166.6 (MANE Select); coding-DNA position 192, C replaced by G.
Protein change: p.Cys64Trp; replaces cysteine 64 with tryptophan.
Molecular consequence: missense variant.
Genome position (GRCh38, 1-based): chrX:71,223,899, C>G. VCF-style: chrX-71223899-C-G. GRCh37 (hg19) VCF-style: chrX-70443749-C-G.
Other names: c.192C>G, p.Cys64Trp (NM_001097642.3); short protein forms C64W.
Identifiers: ClinVar variation 1256363 (VCV001256363.9), dbSNP rs2147945443, ClinGen allele CA413501364.

ClinVar aggregate classification (germline): Uncertain significance. Review status: criteria provided, multiple submitters, no conflicts (2 of 4 stars). 2 submissions from 2 submitters: Uncertain significance (2). Last evaluated 2022-07-05.

Conditions:
Charcot-Marie-Tooth Neuropathy X. Identifiers: MedGen CN118851.

Submissions (2):

Labcorp Genetics (formerly Invitae), Labcorp
Classification: Uncertain significance for Charcot-Marie-Tooth Neuropathy X. Last evaluated: 2022-07-05. Review status: criteria provided, single submitter. Criteria: Invitae Variant Classification Sherloc (09022015). Collection method: clinical testing. Allele origin: germline.
Comment: Algorithms developed to predict the effect of sequence changes on RNA splicing suggest that this variant may create or strengthen a splice site. Algorithms developed to predict the effect of missense changes on protein structure and function are either unavailable or do not agree on the potential impact of this missense change (SIFT: "Deleterious"; PolyPhen-2: "Probably Damaging"; Align-GVGD: "Class C15"). ClinVar contains an entry for this variant (Variation ID: 1256363). This variant has not been reported in the literature in individuals affected with GJB1-related conditions. This variant is not present in population databases (gnomAD no frequency). This sequence change replaces cysteine, which is neutral and slightly polar, with tryptophan, which is neutral and slightly polar, at codon 64 of the GJB1 protein (p.Cys64Trp). This variant disrupts the p.Cys64 amino acid residue in GJB1. Other variant(s) that disrupt this residue have been determined to be pathogenic (PMID: 24768312, 25883816, 27098783, 27862672). This suggests that this residue is clinically significant, and that variants that disrupt this residue are likely to be disease-causing. In summary, the available evidence is currently insufficient to determine the role of this variant in disease. Therefore, it has been classified as a Variant of Uncertain Significance.

Athena Diagnostics
Classification: Uncertain significance. Last evaluated: 2021-05-05. Review status: criteria provided, single submitter. Criteria: Athena Diagnostics criteria. Collection method: clinical testing. Allele origin: unknown.

Literature cited by the submitters: PubMed 24768312 (cited by Labcorp Genetics (formerly Invitae), Labcorp); PubMed 25883816 (cited by Labcorp Genetics (formerly Invitae), Labcorp); PubMed 27098783 (cited by Labcorp Genetics (formerly Invitae), Labcorp); PubMed 27862672 (cited by Labcorp Genetics (formerly Invitae), Labcorp).